The following is an entry in ClinVar:

ClinVar aggregate classification (germline): Uncertain significance (1 of 4 stars; one submission).

Conditions:
Hereditary sensory and autonomic neuropathy type 1 (HSAN1). Also called: HSAN 1; HSN Type I; Hereditary Sensory Neuropathy Type I. Identifiers: Orphanet 36386, MedGen C0020071, MONDO:0018213.

Submission:

Labcorp Genetics (formerly Invitae), Labcorp
Classification: Uncertain significance for Hereditary sensory and autonomic neuropathy type 1. Last evaluated: 2022-02-22. Review status: criteria provided, single submitter. Criteria: Invitae Variant Classification Sherloc (09022015). Collection method: clinical testing. Allele origin: germline.
Comment: In summary, the available evidence is currently insufficient to determine the role of this variant in disease. Therefore, it has been classified as a Variant of Uncertain Significance. This variant has not been reported in the literature in individuals affected with SPTLC1-related conditions. This variant is a gross deletion of the genomic region encompassing exon(s) 4-5 of the SPTLC1 gene. This deletion is out-of-frame, and is expected to create a premature translational stop signal and result in an absent or disrupted protein product. However, the current clinical and genetic evidence is not sufficient to establish whether loss-of-function variants in SPTLC1 cause disease.

NC_000009.11:g.(?_94842278)_(94843265_?)del

Gene: SPTLC1 (serine palmitoyltransferase long chain base subunit 1; minus strand). Cytogenetic location: 9q22.31.
Variant type: Deletion.
Identifiers: ClinVar variation 2425591 (VCV002425591.4).